The following is an entry in ClinVar:

NM_006231.4(POLE):c.6257T>C (p.Met2086Thr)

Gene: POLE (DNA polymerase epsilon, catalytic subunit; minus strand). Cytogenetic location: 12q24.33.
Variant type: single nucleotide variant.
Coding change: c.6257T>C on transcript NM_006231.4 (MANE Select); coding-DNA position 6257, T replaced by C.
Protein change: p.Met2086Thr; replaces methionine 2086 with threonine.
Molecular consequence: missense variant.
Genome position (GRCh38, 1-based): chr12:132,632,388, A>G on the plus strand (T>C on the coding strand, the complement: POLE is on the minus strand). VCF-style: chr12-132632388-A-G. GRCh37 (hg19) VCF-style: chr12-133208974-A-G.
Other names: short protein forms M2086T.
Identifiers: ClinVar variation 240588 (VCV000240588.17), dbSNP rs528752399, ClinGen allele CA6892240.
Genomic context (GRCh38, chr12:132,632,388, plus strand): 5'-TTGATGAACTCCAGGGCAGGGTTATTGAGCAGCAAGTGGGAACCGGGGAGGACAGGAAAC[A>G]TCTCTGAGAGCTCAGTGGAGTTCCGAGAGCCTGTGACTTTCTTCTGAATCTTCTGAGTGA-3'
Protein context (NP_006222.2, residues 2076-2096): GSRNSTELSE[Met2086Thr]FPVLPGSHLL

ClinVar aggregate classification (germline): Uncertain significance. Review status: criteria provided, multiple submitters, no conflicts (2 of 4 stars). 6 submissions from 6 submitters: Uncertain significance (6). Last evaluated 2025-11-02.

Conditions:
Hereditary cancer-predisposing syndrome. Also called: Tumor predisposition; Neoplastic Syndromes, Hereditary; Hereditary Cancer Syndrome; Hereditary neoplastic syndrome. Identifiers: Orphanet 140162, MedGen C0027672, MeSH D009386, MONDO:0015356.
Colorectal cancer. Also called: Colorectal cancer, somatic; Malignant Colorectal Neoplasm. Identifiers: MedGen C0346629, MONDO:0005575, OMIM 114500.

Allele frequency attached by ClinVar (database versions not stated): gnomAD exomes below 0.00001 and 0.00001; gnomAD 0.00001; ExAC 0.00002.
gnomAD v4.1: 9 of 1,614,042 alleles (0.00056%); highest among the groups gnomAD compares: East Asian, 0.0022%; no homozygotes.

Submissions (6):

Labcorp Genetics (formerly Invitae), Labcorp
Classification: Uncertain significance. Last evaluated: 2025-11-02. Review status: criteria provided, single submitter. Criteria: Invitae Variant Classification Sherloc (09022015). Collection method: clinical testing. Allele origin: germline.
Comment: This sequence change replaces methionine, which is neutral and non-polar, with threonine, which is neutral and polar, at codon 2086 of the POLE protein (p.Met2086Thr). This variant is present in population databases (rs528752399, gnomAD 0.006%). This variant has not been reported in the literature in individuals affected with POLE-related conditions. ClinVar contains an entry for this variant (Variation ID: 240588). Invitae Evidence Modeling of protein sequence and biophysical properties (such as structural, functional, and spatial information, amino acid conservation, physicochemical variation, residue mobility, and thermodynamic stability) indicates that this missense variant is not expected to disrupt POLE protein function with a negative predictive value of 80%. In summary, the available evidence is currently insufficient to determine the role of this variant in disease. Therefore, it has been classified as a Variant of Uncertain Significance.

Center for Genomic Medicine, Rigshospitalet, Copenhagen University Hospital
Classification: Uncertain significance. Last evaluated: 2025-03-04. Review status: criteria provided, single submitter. Criteria: ACMG Guidelines, 2015. Collection method: clinical testing. Allele origin: germline.

Ambry Genetics
Classification: Uncertain significance for Hereditary cancer-predisposing syndrome. Last evaluated: 2024-12-04. Review status: criteria provided, single submitter. Criteria: Ambry Variant Classification Scheme 2023. Collection method: clinical testing. Allele origin: germline.
Comment: The p.M2086T variant (also known as c.6257T>C), located in coding exon 45 of the POLE gene, results from a T to C substitution at nucleotide position 6257. The methionine at codon 2086 is replaced by threonine, an amino acid with similar properties. This amino acid position is well conserved in available vertebrate species. In addition, this alteration is predicted to be tolerated by in silico analysis. Based on the available evidence, the clinical significance of this variant remains unclear.

GeneDx
Classification: Uncertain significance. Last evaluated: 2019-05-29. Review status: criteria provided, single submitter. Criteria: GeneDx Variant Classification Process June 2021. Collection method: clinical testing. Allele origin: germline. Affected: yes.
Comment: Not observed at a significant frequency in large population cohorts (Lek et al., 2016); In silico analysis, which includes protein predictors and evolutionary conservation, supports that this variant does not alter protein structure/function; Has not been previously published as pathogenic or benign to our knowledge

Laboratory for Molecular Medicine, Mass General Brigham Personalized Medicine
Classification: Uncertain significance. Last evaluated: 2017-02-26. Review status: criteria provided, single submitter. Criteria: LMM Criteria. Collection method: clinical testing. Allele origin: germline. Observed: 1 variant allele.
Comment: The p.Met2086Thr variant in POLE has not been previously reported in the literat ure in individuals with colorectal cancer but has been reported in ClinVar (Vari ation ID 240588). This variant has also been identified in 1/66718 of European c hromosomes and 1/8652 of East Asian chromosomes by the Exome Aggregation Consort ium (ExAC; dbSNP rs528752399). Computational pre diction tools and conservation analysis do not provide strong support for or aga inst an impact to the protein. In summary, the clinical significance of the p.Me t2086Thr variant is uncertain.

CSER _CC_NCGL, University of Washington
Classification: Uncertain significance for Colorectal cancer. Last evaluated: 2016-10-01. Review status: criteria provided, single submitter. Criteria: Amendola et al. (Genome Res. 2015). Collection method: research. Allele origin: germline. Affected: yes. Study: CSER - NEXT Medicine variant annotation.
Comment: This interpretation considers GERP score and allele frequency data, in addition to published reports of the variant in the literature, available at the time of review.